The following is an entry in ClinVar:

NM_005633.4(SOS1):c.1846C>A (p.His616Asn)

Gene: SOS1 (SOS Ras/Rac guanine nucleotide exchange factor 1; minus strand). Cytogenetic location: 2p22.1.
Variant type: single nucleotide variant.
Coding change: c.1846C>A on transcript NM_005633.4 (MANE Select); coding-DNA position 1846, C replaced by A.
Protein change: p.His616Asn; replaces histidine 616 with asparagine.
Molecular consequence: missense variant.
Genome position (GRCh38, 1-based): chr2:39,022,582, G>T on the plus strand (C>A on the coding strand, the complement: SOS1 is on the minus strand). VCF-style: chr2-39022582-G-T. GRCh37 (hg19) VCF-style: chr2-39249723-G-T.
Other names: c.1825C>A, p.His609Asn (NM_001382394.1); c.1846C>A, p.His616Asn (NM_001382395.1); short protein forms H616N, H609N.
Identifiers: ClinVar variation 2002423 (VCV002002423.4), dbSNP rs2529033844, ClinGen allele CA346365261.
Genomic context (GRCh38, chr2:39,022,582, plus strand): 5'-AGTTTGAAGCAGGAAAACAAAAGTGACAGGCAACTGCATAATTCTTACCTGCGTACATAT[G>T]GTACGTAAGCCTCTCTATAAGTTTAATAACAGTTCCTGCTTTGATAATTGGAATTCCAGC-3'
Protein context (NP_005624.2, residues 606-626): VIKLIERLTY[His616Asn]MYADPNFVRT

ClinVar aggregate classification (germline): Uncertain significance (1 of 4 stars; one submission).

Conditions:
RASopathy. Also called: rasopathies; Noonan spectrum disorder. Identifiers: Orphanet 536391, MedGen C5555857, MONDO:0021060.

Submission:

Labcorp Genetics (formerly Invitae), Labcorp
Classification: Uncertain significance for RASopathy. Last evaluated: 2024-03-08. Review status: criteria provided, single submitter. Criteria: Invitae Variant Classification Sherloc (09022015). Collection method: clinical testing. Allele origin: germline.
Comment: This sequence change replaces histidine, which is basic and polar, with asparagine, which is neutral and polar, at codon 616 of the SOS1 protein (p.His616Asn). This variant is not present in population databases (gnomAD no frequency). This variant has not been reported in the literature in individuals affected with SOS1-related conditions. ClinVar contains an entry for this variant (Variation ID: 2002423). Advanced modeling of protein sequence and biophysical properties (such as structural, functional, and spatial information, amino acid conservation, physicochemical variation, residue mobility, and thermodynamic stability) performed at Invitae indicates that this missense variant is expected to disrupt SOS1 protein function with a positive predictive value of 95%. In summary, the available evidence is currently insufficient to determine the role of this variant in disease. Therefore, it has been classified as a Variant of Uncertain Significance.